The following is an entry in ClinVar:

NM_017780.4(CHD7):c.3768C>G (p.Tyr1256Ter)

Gene: CHD7 (chromodomain helicase DNA binding protein 7; plus strand). Cytogenetic location: 8q12.2.
Variant type: single nucleotide variant.
Coding change: c.3768C>G on transcript NM_017780.4 (MANE Select); coding-DNA position 3768, C replaced by G.
Protein change: p.Tyr1256Ter; replaces tyrosine 1256 with a stop codon.
Molecular consequence: nonsense. On other transcripts: intron variant (1).
Genome position (GRCh38, 1-based): chr8:60,830,567, C>G. VCF-style: chr8-60830567-C-G. GRCh37 (hg19) VCF-style: chr8-61743126-C-G.
Other names: c.1717-31662C>G (NM_001316690.1); short protein forms Y1256*.
Identifiers: ClinVar variation 241192 (VCV000241192.8), dbSNP rs878855032, ClinGen allele CA10582586.

ClinVar aggregate classification (germline): Pathogenic. Review status: criteria provided, multiple submitters, no conflicts (2 of 4 stars). 2 submissions from 2 submitters: Pathogenic (2). Last evaluated 2026-09-01.

Conditions:
Inborn genetic diseases. Identifiers: MedGen C0950123, MeSH D030342.
CHARGE syndrome (CHARGE). Also called: Coloboma, heart anomaly, choanal atresia, retardation, genital and ear anomalies; CHARGE association; Hall-Hittner syndrome; CHARGE ASSOCIATION--COLOBOMA, HEART ANOMALY, CHOANAL ATRESIA, RETARDATION, GENITAL AND EAR ANOMALIES; Hittner Hirsch Kreh syndrome. Identifiers: Orphanet 138, MedGen C0265354, MONDO:0008965.

Submissions (2):

Ambry Genetics
Classification: Pathogenic for Inborn genetic diseases. Last evaluated: 2026-09-01. Review status: criteria provided, single submitter. Criteria: Ambry Variant Classification Scheme 2023. Collection method: clinical testing. Allele origin: germline.
Comment: The c.3768C>G (p.Y1256*) alteration, located in exon 15 (coding exon 14) of the CHD7 gene, consists of a C to G substitution at nucleotide position 3768. This changes the amino acid from a tyrosine (Y) to a stop codon at amino acid position 1256. This variant is expected to result in loss of function by premature protein truncation or nonsense-mediated mRNA decay. This variant was not reported in population-based cohorts in the Genome Aggregation Database (gnomAD). Based on the available evidence, this alteration is classified as pathogenic.

Labcorp Genetics (formerly Invitae), Labcorp
Classification: Pathogenic for CHARGE syndrome. Last evaluated: 2025-01-13. Review status: criteria provided, single submitter. Criteria: Invitae Variant Classification Sherloc (09022015). Collection method: clinical testing. Allele origin: germline.
Comment: This sequence change creates a premature translational stop signal (p.Tyr1256*) in the CHD7 gene. It is expected to result in an absent or disrupted protein product. Loss-of-function variants in CHD7 are known to be pathogenic (PMID: 22461308, 25077900). This variant is not present in population databases (gnomAD no frequency). This premature translational stop signal has been observed in individual(s) with CHARGE syndrome (PMID: 21158681). ClinVar contains an entry for this variant (Variation ID: 241192). For these reasons, this variant has been classified as Pathogenic.

Literature cited by the submitters: PubMed 22461308 (cited by Labcorp Genetics (formerly Invitae), Labcorp); PubMed 25077900 (cited by Labcorp Genetics (formerly Invitae), Labcorp); PubMed 21158681 (cited by Labcorp Genetics (formerly Invitae), Labcorp).